The following is an entry in ClinVar:

NM_001278669.2(NFATC1):c.294G>A (p.Ala98=)

Gene: NFATC1 (nuclear factor of activated T cells 1; plus strand). Cytogenetic location: 18q23.
Variant type: single nucleotide variant.
Coding change: c.294G>A on transcript NM_001278669.2 (MANE Select); coding-DNA position 294, G replaced by A.
Protein change: p.Ala98=; no amino-acid change (alanine 98 retained).
Molecular consequence: synonymous variant. On other transcripts: intron variant (2).
Genome position (GRCh38, 1-based): chr18:79,410,569, G>A. VCF-style: chr18-79410569-G-A. GRCh37 (hg19) VCF-style: chr18-77170569-G-A.
Other names: c.294G>A, p.Ala98= (NM_001278670.2, NM_006162.5, NM_172390.3); c.255G>A, p.Ala85= (NM_001278672.2, NM_001278675.2, NM_172387.3 and 1 more transcripts); c.-191+14218G>A (NM_172388.3); c.-191+10090G>A (NM_001278673.2); c.294G>A (NM_001278669.1).
Identifiers: ClinVar variation 777309 (VCV000777309.13), dbSNP rs2230113, ClinGen allele CA9008799.

ClinVar aggregate classification (germline): Benign. Review status: criteria provided, multiple submitters, no conflicts (2 of 4 stars). 3 submissions from 3 submitters: Benign (2). 1 of the submissions does not count toward it. Last evaluated 2026-01-25.

Conditions:
NFATC1-related disorder. Also called: NFATC1-related condition.

Allele frequency attached by ClinVar (database versions not stated): gnomAD exomes 0.00119 and 0.00314; ExAC 0.00360; gnomAD 0.01169 and 0.01244; 1000 Genomes Project 0.01338; TOPMed 0.01345; ESP Exome Variant Server 0.01400; 1000 Genomes Project 30x 0.01686.
gnomAD v4.1: 3,571 of 1,611,706 alleles (0.22%); highest among the groups gnomAD compares: African/African-American, 4.2%; 68 homozygotes.

Submissions (3):

Labcorp Genetics (formerly Invitae), Labcorp
Classification: Benign. Last evaluated: 2026-01-25. Review status: criteria provided, single submitter. Criteria: Invitae Variant Classification Sherloc (09022015). Collection method: clinical testing. Allele origin: germline.

Breakthrough Genomics
Classification: Benign. Review status: criteria provided, single submitter. Criteria: ACMG Guidelines, 2015. Collection method: not provided. Allele origin: germline. Inheritance: Unknown mechanism. Affected: yes.

PreventionGenetics, part of Exact Sciences
Classification: Benign for NFATC1-related condition. Last evaluated: 2019-03-22. Review status: no assertion criteria provided. Collection method: clinical testing. Allele origin: germline. Not counted in ClinVar's aggregate classification.
Comment: This variant is classified as benign based on ACMG/AMP sequence variant interpretation guidelines (Richards et al. 2015 PMID: 25741868, with internal and published modifications).